The following is an entry in ClinVar:

NM_006231.4(POLE):c.1838_1847del (p.Val613fs)

Gene: POLE (DNA polymerase epsilon, catalytic subunit; minus strand). Cytogenetic location: 12q24.33.
Variant type: Deletion.
Coding change: c.1838_1847del on transcript NM_006231.4 (MANE Select); coding-DNA positions 1838 to 1847, 10 bases deleted (TTCCCAGCCG; older notation c.1838_1847delTTCCCAGCCG).
Protein change: p.Val613fs; shifts the reading frame from valine 613.
Molecular consequence: frameshift variant.
Genome position (GRCh38, 1-based): chr12:132,668,887-132,668,896, CGGCTGGGAA deleted on the plus strand (TTCCCAGCCG on the coding strand, the reverse complement: POLE is on the minus strand); deleting any 10 consecutive bases within chr12:132,668,887-132,668,898 gives the same sequence; the c. name uses the placement nearest the transcript's 3' end. VCF-style (leftmost placement, unchanged base first): chr12-132668886-GCGGCTGGGAA-G. GRCh37 (hg19) VCF-style: chr12-133245472-GCGGCTGGGAA-G.
Other names: short protein forms V613fs.
Identifiers: ClinVar variation 1063571 (VCV001063571.9), dbSNP rs2135979533, ClinGen allele CA2499221541.

ClinVar aggregate classification (germline): Pathogenic (1 of 4 stars; one submission).

Submission:

Labcorp Genetics (formerly Invitae), Labcorp
Classification: Pathogenic. Last evaluated: 2022-05-27. Review status: criteria provided, single submitter. Criteria: Invitae Variant Classification Sherloc (09022015). Collection method: clinical testing. Allele origin: germline.
Comment: For these reasons, this variant has been classified as Pathogenic. ClinVar contains an entry for this variant (Variation ID: 1063571). This variant has not been reported in the literature in individuals affected with POLE-related conditions. This variant is not present in population databases (gnomAD no frequency). This sequence change creates a premature translational stop signal (p.Val613Alafs*21) in the POLE gene. It is expected to result in an absent or disrupted protein product. Loss-of-function variants in POLE are known to be pathogenic (PMID: 23230001, 25948378, 30503519).

Literature cited by the submitters: PubMed 23230001; PubMed 25948378; PubMed 30503519.